The following is an entry in ClinVar:

ClinVar aggregate classification (germline): Uncertain significance. Review status: criteria provided, multiple submitters, no conflicts (2 of 4 stars). 2 submissions from 2 submitters: Uncertain significance (2). Last evaluated 2025-08-21.

Conditions:
Hereditary cancer-predisposing syndrome. Also called: Hereditary Cancer Syndrome; Hereditary neoplastic syndrome; Neoplastic Syndromes, Hereditary; Tumor predisposition. Identifiers: Orphanet 140162, MedGen C0027672, MeSH D009386, MONDO:0015356.

Allele frequency attached by ClinVar (database versions not stated): gnomAD exomes below 0.00001.
gnomAD v4.1: 2 of 1,614,134 alleles (0.00012%); highest among the groups gnomAD compares: East Asian, 0.0022%; no homozygotes.

Submissions (2):

Ambry Genetics
Classification: Uncertain significance for Hereditary cancer-predisposing syndrome. Last evaluated: 2025-08-21. Review status: criteria provided, single submitter. Criteria: Ambry Variant Classification Scheme 2023. Collection method: clinical testing. Allele origin: germline.
Comment: The p.V1274M variant (also known as c.3820G>A), located in coding exon 25 of the RAD50 gene, results from a G to A substitution at nucleotide position 3820. The valine at codon 1274 is replaced by methionine, an amino acid with highly similar properties. This amino acid position is conserved. In addition, the in silico prediction for this alteration is inconclusive. Based on the available evidence, the clinical significance of this variant remains unclear.

Labcorp Genetics (formerly Invitae), Labcorp
Classification: Uncertain significance for Hereditary cancer-predisposing syndrome. Last evaluated: 2022-04-12. Review status: criteria provided, single submitter. Criteria: Invitae Variant Classification Sherloc (09022015). Collection method: clinical testing. Allele origin: germline.
Comment: ClinVar contains an entry for this variant (Variation ID: 408420). This variant has not been reported in the literature in individuals affected with RAD50-related conditions. This variant is present in population databases (no rsID available, gnomAD 0.003%). This sequence change replaces valine, which is neutral and non-polar, with methionine, which is neutral and non-polar, at codon 1274 of the RAD50 protein (p.Val1274Met). Algorithms developed to predict the effect of missense changes on protein structure and function are either unavailable or do not agree on the potential impact of this missense change (SIFT: "Deleterious"; PolyPhen-2: "Probably Damaging"; Align-GVGD: "Class C0"). In summary, the available evidence is currently insufficient to determine the role of this variant in disease. Therefore, it has been classified as a Variant of Uncertain Significance.

NM_005732.4(RAD50):c.3820G>A (p.Val1274Met)

Genes: TH2LCRR (T helper type 2 locus control region associated RNA; minus strand), RAD50 (RAD50 double strand break repair protein; plus strand). Cytogenetic location: 5q31.1.
Variant type: single nucleotide variant.
Coding change: c.3820G>A on transcript NM_005732.4 (MANE Select); coding-DNA position 3820, G replaced by A.
Protein change: p.Val1274Met; replaces valine 1274 with methionine.
Molecular consequence: missense variant. On other transcripts: non-coding transcript variant (1).
Genome position (GRCh38, 1-based): chr5:132,642,245, G>A. VCF-style: chr5-132642245-G-A. GRCh37 (hg19) VCF-style: chr5-131977937-G-A.
Other names: short protein forms V1274M.
Identifiers: ClinVar variation 408420 (VCV000408420.8), dbSNP rs1060501978, ClinGen allele CA16611793.